The following is an entry in ClinVar:

ClinVar aggregate classification (germline): Likely benign (1 of 4 stars; one submission).

Conditions:
Age related macular degeneration 4. Identifiers: MedGen C1853147, MONDO:0012540, OMIM 610698.

gnomAD v4.1: 7 of 1,565,526 alleles (0.00045%); highest among the groups gnomAD compares: African/African-American, 0.0054%; no homozygotes.

Submission:

Genomenon, Inc
Classification: Likely benign for Age related macular degeneration 4. Last evaluated: 2026-09-17. Review status: criteria provided, single submitter. Criteria: Genomenon Sequence Variant Interpretation Standards - Updated. Collection method: curation. Allele origin: germline. Affected: yes.
Comment: CFH c.59-34C>T is an intronic variant located in intron 1. This variant has been observed in at least one proband affected with age-related macular degeneration (PMID: 18421087). It is absent or not present at a significant frequency in gnomAD. This variant is not predicted to impact splicing. In conclusion, we classify CFH c.59-34C>T as a likely benign variant.

Literature cited by the submitters: PubMed 18421087.

NM_000186.4(CFH):c.59-34C>T

Gene: CFH (complement factor H; plus strand). Cytogenetic location: 1q31.3.
Variant type: single nucleotide variant.
Coding change: c.59-34C>T on transcript NM_000186.4 (MANE Select); 34 bases into the intron before coding-DNA position 59, C replaced by T.
Molecular consequence: intron variant.
Genome position (GRCh38, 1-based): chr1:196,672,944, C>T. VCF-style: chr1-196672944-C-T. GRCh37 (hg19) VCF-style: chr1-196642074-C-T.
Other names: c.59-34C>T (NM_001014975.3).
Identifiers: ClinVar variation 4291286 (VCV004291286.2).
Genomic context (GRCh38, chr1:196,672,944, plus strand): 5'-ACTGTCTAGGCATTTTTAAAAGCAACAATTACCTAAATATACTGTACATTTAAATAGACA[C>T]TTTATGCACTTATTTTGTTTTTATTGTTTGTAGATTGCAATGAACTTCCTCCAAGAAGAA-3'